The following is an entry in ClinVar:

ClinVar aggregate classification (germline): Uncertain significance. Review status: criteria provided, multiple submitters, no conflicts (2 of 4 stars). 2 submissions from 2 submitters: Uncertain significance (2). Last evaluated 2021-09-20.

Conditions:
Brody myopathy. Also called: BRODY DISEASE. Identifiers: Orphanet 53347, MedGen C1832918, MONDO:0010977, OMIM 601003.

Allele frequency attached by ClinVar (database versions not stated): gnomAD exomes below 0.00001; gnomAD 0.00001; TOPMed 0.00001.

Submissions (2):

Labcorp Genetics (formerly Invitae), Labcorp
Classification: Uncertain significance for Brody myopathy. Last evaluated: 2021-09-20. Review status: criteria provided, single submitter. Criteria: Invitae Variant Classification Sherloc (09022015). Collection method: clinical testing. Allele origin: germline.
Comment: This sequence change replaces proline with serine at codon 518 of the ATP2A1 protein (p.Pro518Ser). The proline residue is highly conserved and there is a moderate physicochemical difference between proline and serine. This variant is not present in population databases (ExAC no frequency). This variant has not been reported in the literature in individuals affected with ATP2A1-related conditions. Algorithms developed to predict the effect of missense changes on protein structure and function are either unavailable or do not agree on the potential impact of this missense change (SIFT: "Deleterious"; PolyPhen-2: "Possibly Damaging"; Align-GVGD: "Class C0"). In summary, the available evidence is currently insufficient to determine the role of this variant in disease. Therefore, it has been classified as a Variant of Uncertain Significance.

Revvity Omics, Revvity
Classification: Uncertain significance for Brody myopathy. Last evaluated: 2019-09-16. Review status: criteria provided, single submitter. Criteria: ACMG Guidelines, 2015. Collection method: clinical testing. Allele origin: germline.

NM_004320.6(ATP2A1):c.1552C>T (p.Pro518Ser)

Gene: ATP2A1 (ATPase sarcoplasmic/endoplasmic reticulum Ca2+ transporting 1; plus strand). Cytogenetic location: 16p11.2.
Variant type: single nucleotide variant.
Coding change: c.1552C>T on transcript NM_004320.6 (MANE Select); coding-DNA position 1552, C replaced by T.
Protein change: p.Pro518Ser; replaces proline 518 with serine.
Molecular consequence: missense variant.
Genome position (GRCh38, 1-based): chr16:28,898,239, C>T. VCF-style: chr16-28898239-C-T. GRCh37 (hg19) VCF-style: chr16-28909560-C-T.
Other names: c.1177C>T, p.Pro393Ser (NM_001286075.2); c.1552C>T, p.Pro518Ser (NM_173201.5); short protein forms P393S, P518S.
Identifiers: ClinVar variation 938597 (VCV000938597.10), dbSNP rs1258517686, ClinGen allele CA395409588.